The following is an entry in ClinVar:

NM_001364905.1(LRBA):c.4263T>G (p.Ser1421Arg)

Gene: LRBA (LPS responsive beige-like anchor protein; minus strand). Cytogenetic location: 4q31.3.
Variant type: single nucleotide variant.
Coding change: c.4263T>G on transcript NM_001364905.1 (MANE Select); coding-DNA position 4263, T replaced by G.
Protein change: p.Ser1421Arg; replaces serine 1421 with arginine.
Molecular consequence: missense variant.
Genome position (GRCh38, 1-based): chr4:150,848,894, A>C on the plus strand (T>G on the coding strand, the complement: LRBA is on the minus strand). VCF-style: chr4-150848894-A-C. GRCh37 (hg19) VCF-style: chr4-151770046-A-C.
Other names: c.4263T>G, p.Ser1421Arg (NM_001199282.3, NM_001367550.1, NM_006726.5); short protein forms S1421R.
Identifiers: ClinVar variation 657488 (VCV000657488.11), dbSNP rs779941155, ClinGen allele CA3102844.

ClinVar aggregate classification (germline): Uncertain significance. Review status: criteria provided, multiple submitters, no conflicts (2 of 4 stars). 2 submissions from 2 submitters: Uncertain significance (2). Last evaluated 2024-11-25.

Conditions:
Combined immunodeficiency due to LRBA deficiency. Also called: Common variable immunodeficiency 8, with autoimmunity. Identifiers: Orphanet 445018, MedGen C3553512, MONDO:0013863, OMIM 614700.

Allele frequency attached by ClinVar (database versions not stated): gnomAD exomes below 0.00001; ExAC 0.00001; gnomAD 0.00001; TOPMed 0.00001.
gnomAD v4.1: 2 of 1,613,358 alleles (0.00012%); highest among the groups gnomAD compares: Admixed American, 0.0017%; no homozygotes.

Submissions (2):

Labcorp Genetics (formerly Invitae), Labcorp
Classification: Uncertain significance for Combined immunodeficiency due to LRBA deficiency. Last evaluated: 2024-11-25. Review status: criteria provided, single submitter. Criteria: Invitae Variant Classification Sherloc (09022015). Collection method: clinical testing. Allele origin: germline.
Comment: This sequence change replaces serine, which is neutral and polar, with arginine, which is basic and polar, at codon 1421 of the LRBA protein (p.Ser1421Arg). The frequency data for this variant in the population databases is considered unreliable, as metrics indicate poor data quality at this position in the gnomAD database. This variant has not been reported in the literature in individuals affected with LRBA-related conditions. ClinVar contains an entry for this variant (Variation ID: 657488). Invitae Evidence Modeling of protein sequence and biophysical properties (such as structural, functional, and spatial information, amino acid conservation, physicochemical variation, residue mobility, and thermodynamic stability) has been performed for this missense variant. However, the output from this modeling did not meet the statistical confidence thresholds required to predict the impact of this variant on LRBA protein function. In summary, the available evidence is currently insufficient to determine the role of this variant in disease. Therefore, it has been classified as a Variant of Uncertain Significance.

Blueprint Genetics
Classification: Uncertain significance. Last evaluated: 2020-10-15. Review status: criteria provided, single submitter. Criteria: ACMG Guidelines, 2015. Collection method: clinical testing. Allele origin: germline.